The following is an entry in ClinVar:

NM_014704.4(CEP104):c.805G>A (p.Ala269Thr)

Gene: CEP104 (centrosomal protein 104; minus strand). Cytogenetic location: 1p36.32.
Variant type: single nucleotide variant.
Coding change: c.805G>A on transcript NM_014704.4 (MANE Select); coding-DNA position 805, G replaced by A.
Protein change: p.Ala269Thr; replaces alanine 269 with threonine.
Molecular consequence: missense variant.
Genome position (GRCh38, 1-based): chr1:3,839,050, C>T on the plus strand (G>A on the coding strand, the complement: CEP104 is on the minus strand). VCF-style: chr1-3839050-C-T. GRCh37 (hg19) VCF-style: chr1-3755614-C-T.
Other names: c.805G>A (NM_014704.3); short protein forms A269T.
Identifiers: ClinVar variation 2181009 (VCV002181009.2), dbSNP rs374002795, ClinGen allele CA551809.

ClinVar aggregate classification (germline): Uncertain significance. Review status: criteria provided, multiple submitters, no conflicts (2 of 4 stars). 2 submissions from 2 submitters: Uncertain significance (2). Last evaluated 2023-12-14.

Conditions:
Inborn genetic diseases. Identifiers: MedGen C0950123, MeSH D030342.
Joubert syndrome 25 (JBTS25). Identifiers: Orphanet 475, MedGen C4084842, MONDO:0014770, OMIM 616781.

Allele frequency attached by ClinVar (database versions not stated): ESP Exome Variant Server 0.00015; ExAC 0.00016.
gnomAD v4.1: 381 of 1,613,988 alleles (0.024%); highest among the groups gnomAD compares: Non-Finnish European, 0.03%; 1 homozygote.

Submissions (2):

Ambry Genetics
Classification: Uncertain significance for Inborn genetic diseases. Last evaluated: 2023-12-14. Review status: criteria provided, single submitter. Criteria: Ambry Variant Classification Scheme 2023. Collection method: clinical testing. Allele origin: germline.

Labcorp Genetics (formerly Invitae), Labcorp
Classification: Uncertain significance for Joubert syndrome 25. Last evaluated: 2022-08-19. Review status: criteria provided, single submitter. Criteria: Invitae Variant Classification Sherloc (09022015). Collection method: clinical testing. Allele origin: germline.
Comment: This sequence change replaces alanine, which is neutral and non-polar, with threonine, which is neutral and polar, at codon 269 of the CEP104 protein (p.Ala269Thr). This variant is present in population databases (rs374002795, gnomAD 0.03%). This variant has not been reported in the literature in individuals affected with CEP104-related conditions. Algorithms developed to predict the effect of missense changes on protein structure and function (SIFT, PolyPhen-2, Align-GVGD) all suggest that this variant is likely to be disruptive. In summary, the available evidence is currently insufficient to determine the role of this variant in disease. Therefore, it has been classified as a Variant of Uncertain Significance.